The following is an entry in ClinVar:

NM_020964.3(EPG5):c.5614A>G (p.Thr1872Ala)

Gene: EPG5 (ectopic P-granules 5 autophagy tethering factor; minus strand). Cytogenetic location: 18q12.3.
Variant type: single nucleotide variant.
Coding change: c.5614A>G on transcript NM_020964.3 (MANE Select); coding-DNA position 5614, A replaced by G.
Protein change: p.Thr1872Ala; replaces threonine 1872 with alanine.
Molecular consequence: missense variant.
Genome position (GRCh38, 1-based): chr18:45,880,128, T>C on the plus strand (A>G on the coding strand, the complement: EPG5 is on the minus strand). VCF-style: chr18-45880128-T-C. GRCh37 (hg19) VCF-style: chr18-43460093-T-C.
Other names: c.5614A>G, p.Thr1872Ala (LRG_1234t1); short protein forms T1872A.
Identifiers: ClinVar variation 578865 (VCV000578865.6), dbSNP rs1568116795, ClinGen allele CA402343432.

ClinVar aggregate classification (germline): Conflicting classifications of pathogenicity. Review status: criteria provided, conflicting classifications (1 of 4 stars). 2 submissions from 2 submitters: Uncertain significance (1); Likely benign (1). Last evaluated 2025-04-21.

Conditions:
Vici syndrome (VICIS). Identifiers: Orphanet 1493, MedGen C1855772, MONDO:0009452, OMIM 242840.
Inborn genetic diseases. Identifiers: MedGen C0950123, MeSH D030342.

Allele frequency attached by ClinVar (database versions not stated): gnomAD exomes below 0.00001; TOPMed 0.00002.
gnomAD v4.1: 1 of 1,610,946 alleles (0.000062%); highest among the groups gnomAD compares: Admixed American, 0.0017%; no homozygotes.

Submissions (2):

Ambry Genetics
Classification: Likely benign for Inborn genetic diseases. Last evaluated: 2025-04-21. Review status: criteria provided, single submitter. Criteria: Ambry Variant Classification Scheme 2023. Collection method: clinical testing. Allele origin: germline.

Labcorp Genetics (formerly Invitae), Labcorp
Classification: Uncertain significance for Vici syndrome. Last evaluated: 2022-10-26. Review status: criteria provided, single submitter. Criteria: Invitae Variant Classification Sherloc (09022015). Collection method: clinical testing. Allele origin: germline.
Comment: This sequence change replaces threonine, which is neutral and polar, with alanine, which is neutral and non-polar, at codon 1872 of the EPG5 protein (p.Thr1872Ala). This variant is not present in population databases (gnomAD no frequency). This variant has not been reported in the literature in individuals affected with EPG5-related conditions. ClinVar contains an entry for this variant (Variation ID: 578865). Advanced modeling of protein sequence and biophysical properties (such as structural, functional, and spatial information, amino acid conservation, physicochemical variation, residue mobility, and thermodynamic stability) performed at Invitae indicates that this missense variant is not expected to disrupt EPG5 protein function. In summary, the available evidence is currently insufficient to determine the role of this variant in disease. Therefore, it has been classified as a Variant of Uncertain Significance.